The following is an entry in ClinVar:

ClinVar aggregate classification (germline): Uncertain significance (1 of 4 stars; one submission).

Submission:

GeneDx
Classification: Uncertain significance. Last evaluated: 2024-12-02. Review status: criteria provided, single submitter. Criteria: GeneDx Variant Classification Process June 2021. Collection method: clinical testing. Allele origin: germline.
Comment: Not observed at significant frequency in large population cohorts (gnomAD); In silico analysis supports that this missense variant has a deleterious effect on protein structure/function; Has not been previously published as pathogenic or benign to our knowledge

NM_002585.4(PBX1):c.866T>A (p.Ile289Asn)

Gene: PBX1 (PBX homeobox 1; plus strand). Cytogenetic location: 1q23.3.
Variant type: single nucleotide variant.
Coding change: c.866T>A on transcript NM_002585.4 (MANE Select); coding-DNA position 866, T replaced by A.
Protein change: p.Ile289Asn; replaces isoleucine 289 with asparagine.
Molecular consequence: missense variant.
Genome position (GRCh38, 1-based): chr1:164,812,018, T>A. VCF-style: chr1-164812018-T-A. GRCh37 (hg19) VCF-style: chr1-164781255-T-A.
Other names: c.866T>A, p.Ile289Asn (NM_001204961.2, NM_001204963.2, NM_001353131.2); c.617T>A, p.Ile206Asn (NM_001353130.1); short protein forms I206N, I289N.
Identifiers: ClinVar variation 3360321 (VCV003360321.2).